The following is an entry in ClinVar:

NM_006231.4(POLE):c.1379del (p.Val460fs)

Gene: POLE (DNA polymerase epsilon, catalytic subunit; minus strand). Cytogenetic location: 12q24.33.
Variant type: Deletion.
Coding change: c.1379del on transcript NM_006231.4 (MANE Select); coding-DNA position 1379, one base deleted (T; older notation c.1379delT).
Protein change: p.Val460fs; shifts the reading frame from valine 460.
Molecular consequence: frameshift variant.
Genome position (GRCh38, 1-based): chr12:132,673,258, A deleted on the plus strand (T on the coding strand, the reverse complement: POLE is on the minus strand). VCF-style (leftmost placement, unchanged base first): chr12-132673257-CA-C. GRCh37 (hg19) VCF-style: chr12-133249843-CA-C.
Other names: short protein forms V460fs.
Identifiers: ClinVar variation 858925 (VCV000858925.13), dbSNP rs2042972341, ClinGen allele CA912973798.

ClinVar aggregate classification (germline): Conflicting classifications of pathogenicity. Review status: criteria provided, conflicting classifications (1 of 4 stars). 2 submissions from 2 submitters: Pathogenic (1); Uncertain significance (1). Last evaluated 2025-04-02.

Conditions:
Hereditary cancer-predisposing syndrome. Also called: Tumor predisposition; Hereditary neoplastic syndrome; Neoplastic Syndromes, Hereditary; Hereditary Cancer Syndrome. Identifiers: Orphanet 140162, MedGen C0027672, MeSH D009386, MONDO:0015356.

Submissions (2):

Ambry Genetics
Classification: Uncertain significance for Hereditary cancer-predisposing syndrome. Last evaluated: 2025-04-02. Review status: criteria provided, single submitter. Criteria: Ambry Variant Classification Scheme 2023. Collection method: clinical testing. Allele origin: germline.
Comment: The c.1379delT variant, located in coding exon 14 of the POLE gene, results from a deletion of one nucleotide at nucleotide position 1379, causing a translational frameshift with a predicted alternate stop codon (p.V460Gfs*12). This alteration is expected to result in protein truncation or nonsense-mediated mRNA decay. Although biallelic loss of function of POLE has been associated with autosomal recessive POLE deficiency, haploinsufficiency of POLE has not been established as a mechanism of disease for POLE-related polymerase proofreading-associated polyposis (PPAP) and POLE-related CMMRD-like syndrome. Based on the supporting evidence, this variant is expected to be causative of POLE deficiency when present along with a second pathogenic variant on the other allele; however, its clinical significance for PPAP and POLE-related CMMRD-like syndrome is unclear.

Labcorp Genetics (formerly Invitae), Labcorp
Classification: Pathogenic. Last evaluated: 2025-03-01. Review status: criteria provided, single submitter. Criteria: Invitae Variant Classification Sherloc (09022015). Collection method: clinical testing. Allele origin: germline.
Comment: This sequence change creates a premature translational stop signal (p.Val460Glyfs*12) in the POLE gene. It is expected to result in an absent or disrupted protein product. Loss-of-function variants in POLE are known to be pathogenic (PMID: 23230001, 25948378, 30503519). This variant is not present in population databases (gnomAD no frequency). This variant has not been reported in the literature in individuals affected with POLE-related conditions. ClinVar contains an entry for this variant (Variation ID: 858925). For these reasons, this variant has been classified as Pathogenic.

Literature cited by the submitters: PubMed 23230001 (cited by Labcorp Genetics (formerly Invitae), Labcorp); PubMed 25948378 (cited by Labcorp Genetics (formerly Invitae), Labcorp); PubMed 30503519 (cited by Labcorp Genetics (formerly Invitae), Labcorp).